The following is an entry in ClinVar:

NM_015089.4(CUL9):c.4956C>A (p.Leu1652=)

Gene: CUL9 (cullin 9; plus strand). Cytogenetic location: 6p21.1.
Variant type: single nucleotide variant.
Coding change: c.4956C>A on transcript NM_015089.4 (MANE Select); coding-DNA position 4956, C replaced by A.
Protein change: p.Leu1652=; no amino-acid change (leucine 1652 retained).
Molecular consequence: synonymous variant.
Genome position (GRCh38, 1-based): chr6:43,206,169, C>A. VCF-style: chr6-43206169-C-A. GRCh37 (hg19) VCF-style: chr6-43173907-C-A.
Other names: c.4956C>A (NM_015089.3).
Identifiers: ClinVar variation 2656584 (VCV002656584.25), dbSNP rs147730044, ClinGen allele CA3818265.

ClinVar aggregate classification (germline): Likely benign. Review status: criteria provided, single submitter (1 of 4 stars). 2 submissions from 2 submitters: Likely benign (1). 1 of the submissions does not count toward it. Last evaluated 2023-01-01.

Conditions:
CUL9-related disorder. Also called: CUL9-related condition.

Allele frequency attached by ClinVar (database versions not stated): ESP Exome Variant Server 0.00361; 1000 Genomes Project 30x 0.00390; 1000 Genomes Project 0.00419; TOPMed 0.00623; gnomAD 0.00678; ExAC 0.00729; gnomAD exomes 0.00889.
gnomAD v4.1: 13,987 of 1,613,786 alleles (0.87%); highest among the groups gnomAD compares: Middle Eastern, 1.1%; 82 homozygotes.

Submissions (2):

CeGaT Center for Human Genetics Tuebingen
Classification: Likely benign. Last evaluated: 2023-01-01. Review status: criteria provided, single submitter. Criteria: CeGaT Center For Human Genetics Tuebingen Variant Classification Criteria Version 2. Collection method: clinical testing. Allele origin: germline. Affected: yes. Observed: 1 variant allele.
Comment: CUL9: BP4, BP7, BS2

PreventionGenetics, part of Exact Sciences
Classification: Benign for CUL9-related condition. Last evaluated: 2019-02-26. Review status: no assertion criteria provided. Collection method: clinical testing. Allele origin: germline. Not counted in ClinVar's aggregate classification.
Comment: This variant is classified as benign based on ACMG/AMP sequence variant interpretation guidelines (Richards et al. 2015 PMID: 25741868, with internal and published modifications).